The following is an entry in ClinVar:

ClinVar aggregate classification (germline): Uncertain significance (1 of 4 stars; one submission).

Conditions:
Dyskeratosis congenita, autosomal recessive 5 (DKCB5). Identifiers: MedGen C3554656, MONDO:0014076, OMIM 615190.
Pulmonary fibrosis and/or bone marrow failure, Telomere-related, 3. Also called: PULMONARY FIBROSIS AND/OR BONE MARROW FAILURE SYNDROME, TELOMERE-RELATED, 3. Identifiers: Orphanet 2032, MedGen C4225346, MONDO:0014613, OMIM 616373.

Allele frequency attached by ClinVar (database versions not stated): gnomAD exomes below 0.00001; TOPMed 0.00001.

Submission:

Labcorp Genetics (formerly Invitae), Labcorp
Classification: Uncertain significance for Dyskeratosis congenita, autosomal recessive 5; Pulmonary fibrosis and/or bone marrow failure, Telomere-related, 3. Last evaluated: 2025-04-21. Review status: criteria provided, single submitter. Criteria: Invitae Variant Classification Sherloc (09022015). Collection method: clinical testing. Allele origin: germline.
Comment: This variant, c.2458_2459insTCA, is a complex sequence change that results in the deletion of 1 and insertion of 2 amino acid(s) in the RTEL1 protein (p.Tyr820delinsPheAsn). This variant is present in population databases (no rsID available, gnomAD 0.006%). This variant has not been reported in the literature in individuals affected with RTEL1-related conditions. ClinVar contains an entry for this variant (Variation ID: 1366884). Experimental studies and prediction algorithms are not available or were not evaluated, and the functional significance of this variant is currently unknown. In summary, the available evidence is currently insufficient to determine the role of this variant in disease. Therefore, it has been classified as a Variant of Uncertain Significance.

NM_001283009.2(RTEL1):c.2458_2459insTCA (p.Tyr820delinsPheAsn)

Genes: RTEL1 (regulator of telomere elongation helicase 1; plus strand), RTEL1-TNFRSF6B (RTEL1-TNFRSF6B readthrough (NMD candidate); plus strand). Cytogenetic location: 20q13.33.
Variant type: Insertion.
Coding change: c.2458_2459insTCA on transcript NM_001283009.2 (MANE Select); coding-DNA positions 2458 to 2459, TCA inserted.
Protein change: p.Tyr820delinsPheAsn.
Molecular consequence: inframe indel. On other transcripts: non-coding transcript variant (1).
Genome position: GRCh38 VCF-style: chr20-63690849-T-TTCA. GRCh37 (hg19) VCF-style: chr20-62322202-T-TTCA.
Other names: c.1789_1790insTCA, p.Tyr597delinsPheAsn (NM_001283010.1); c.2458_2459insTCA, p.Tyr820delinsPheAsn (NM_016434.4); c.2530_2531insTCA, p.Tyr844delinsPheAsn (NM_032957.5).
Identifiers: ClinVar variation 1366884 (VCV001366884.5), dbSNP rs1254325984, ClinGen allele CA636359139.
Genomic context (GRCh38, chr20:63,690,849, plus strand): 5'-TCGGGTGCCCCTGCAGGGTCACCAGCTGCCGGGGACCCCGAGAGTAGCCTGTGTGTGGAG[T>TTCA]ATGAGCAGGAGCCAGTTCCTGCCCGGCAGAGGCCCAGGGGGCTGCTGGCCGCCCTGGAGC-3'